The following is an entry in ClinVar:

NM_176806.4(MOCS2):c.1A>G (p.Met1Val)

Genes: MOCS2 (molybdenum cofactor synthesis 2; minus strand), LOC129993881 (ATAC-STARR-seq lymphoblastoid silent region 16005; plus strand). Cytogenetic location: 5q11.2.
Variant type: single nucleotide variant.
Coding change: c.1A>G on transcript NM_176806.4 (MANE Plus Clinical); coding-DNA position 1, A replaced by G.
Protein change: p.Met1Val; changes the start codon (methionine 1).
Molecular consequence: missense variant, initiator codon variant. On other transcripts: 5 prime UTR variant (1).
Genome position (GRCh38, 1-based): chr5:53,109,729, T>C on the plus strand (A>G on the coding strand, the complement: MOCS2 is on the minus strand). VCF-style: chr5-53109729-T-C. GRCh37 (hg19) VCF-style: chr5-52405559-T-C.
Other names: c.-648A>G (NM_004531.5); short protein forms M1V.
Identifiers: ClinVar variation 1456543 (VCV001456543.8), dbSNP rs1561179103, ClinGen allele CA359694283.

ClinVar aggregate classification (germline): Pathogenic/Likely pathogenic. Review status: criteria provided, multiple submitters, no conflicts (2 of 4 stars). 3 submissions from 3 submitters: Pathogenic (2); Likely pathogenic (1). Last evaluated 2024-10-15.

Conditions:
MOCS2-related disorders.
Sulfite oxidase deficiency due to molybdenum cofactor deficiency type B1 (MOCODB1). Also called: Molybdenum cofactor deficiency, complementation group B; MOLYBDENUM COFACTOR DEFICIENCY, TYPE B1; Molybdenum cofactor deficiency B; Sulfite oxidase deficiency due to molybdenum cofactor deficiency type B. Identifiers: Orphanet 308393, Orphanet 833, MedGen C6065887, MONDO:0009644, OMIM 252160.

Allele frequency attached by ClinVar (database versions not stated): gnomAD exomes 0.00001.

Submissions (3):

Labcorp Genetics (formerly Invitae), Labcorp
Classification: Pathogenic. Last evaluated: 2024-10-15. Review status: criteria provided, single submitter. Criteria: Invitae Variant Classification Sherloc (09022015). Collection method: clinical testing. Allele origin: germline.
Comment: This sequence change affects the initiator methionine of the MOCS2A mRNA. There are no downstream in-frame methionine residues; therefore, it is expected to result in an absent or disrupted protein product. Loss-of-function variants in MOCS2A are known to be pathogenic (PMID: 21031595). This variant is present in population databases (no rsID available, gnomAD 0.002%). Disruption of the initiator codon has been observed in individuals with molybdenum cofactor deficiency (PMID: 10053004, 27289259). ClinVar contains an entry for this variant (Variation ID: 1456543). Studies have shown that disruption of the initiator codon alters MOCS2A gene expression (PMID: 10053003). For these reasons, this variant has been classified as Pathogenic.

Fulgent Genetics
Classification: Pathogenic for Sulfite oxidase deficiency due to molybdenum cofactor deficiency type B1. Last evaluated: 2024-06-11. Review status: criteria provided, single submitter. Criteria: ACMG Guidelines, 2015. Collection method: clinical testing. Allele origin: germline.

Blueprint Genetics
Classification: Likely pathogenic for MOCS2-related disorders. Last evaluated: 2024-02-01. Review status: criteria provided, single submitter. Criteria: ACMG Guidelines, 2015. Collection method: clinical testing. Allele origin: germline. Affected: yes. Observed: 1 variant allele.

Literature cited by the submitters: PubMed 21031595 (cited by Labcorp Genetics (formerly Invitae), Labcorp); PubMed 10053004 (cited by Labcorp Genetics (formerly Invitae), Labcorp); PubMed 27289259 (cited by Labcorp Genetics (formerly Invitae), Labcorp); PubMed 10053003 (cited by Labcorp Genetics (formerly Invitae), Labcorp).